The following is an entry in ClinVar:

ClinVar aggregate classification (germline): Likely benign (0 of 4 stars; one submission).

Conditions:
EPHA3-related disorder. Also called: EPHA3-related condition.

Allele frequency attached by ClinVar (database versions not stated): TOPMed below 0.00001; gnomAD 0.00001; gnomAD exomes 0.00001.
gnomAD v4.1: 9 of 1,580,648 alleles (0.00057%); highest among the groups gnomAD compares: Admixed American, 0.0017%; no homozygotes.

Submission:

PreventionGenetics, part of Exact Sciences
Classification: Likely benign for EPHA3-related condition. Last evaluated: 2019-06-21. Review status: no assertion criteria provided. Collection method: clinical testing. Allele origin: germline.
Comment: This variant is classified as likely benign based on ACMG/AMP sequence variant interpretation guidelines (Richards et al. 2015 PMID: 25741868, with internal and published modifications).

NM_005233.6(EPHA3):c.1432-7C>T

Gene: EPHA3 (EPH receptor A3; plus strand). Cytogenetic location: 3p11.1.
Variant type: single nucleotide variant.
Coding change: c.1432-7C>T on transcript NM_005233.6 (MANE Select); 7 bases into the intron before coding-DNA position 1432, C replaced by T.
Molecular consequence: intron variant.
Genome position (GRCh38, 1-based): chr3:89,399,311, C>T. VCF-style: chr3-89399311-C-T. GRCh37 (hg19) VCF-style: chr3-89448461-C-T.
Other names: c.1432-7C>T (NM_001410778.1, NM_182644.3).
Identifiers: ClinVar variation 3042863 (VCV003042863.2), dbSNP rs1276953163, ClinGen allele CA545016730.